The following is an entry in ClinVar:

ClinVar aggregate classification (germline): Uncertain significance (1 of 4 stars; one submission).

Allele frequency attached by ClinVar (database versions not stated): gnomAD 0.00001; TOPMed 0.00002.
gnomAD v4.1: 3 of 1,551,636 alleles (0.00019%); highest among the groups gnomAD compares: Admixed American, 0.0059%; no homozygotes.

Submission:

Labcorp Genetics (formerly Invitae), Labcorp
Classification: Uncertain significance. Last evaluated: 2023-08-14. Review status: criteria provided, single submitter. Criteria: Invitae Variant Classification Sherloc (09022015). Collection method: clinical testing. Allele origin: germline.
Comment: This variant is present in population databases (no rsID available, gnomAD 0.004%). This sequence change replaces isoleucine, which is neutral and non-polar, with asparagine, which is neutral and polar, at codon 321 of the GREB1L protein (p.Ile321Asn). In summary, the available evidence is currently insufficient to determine the role of this variant in disease. Therefore, it has been classified as a Variant of Uncertain Significance. An algorithm developed to predict the effect of missense changes on protein structure and function (PolyPhen-2) suggests that this variant is likely to be tolerated. This variant has not been reported in the literature in individuals affected with GREB1L-related conditions.

NM_001142966.3(GREB1L):c.962T>A (p.Ile321Asn)

Genes: GREB1L (GREB1 like retinoic acid receptor coactivator; plus strand), GREB1L-AS1 (GREB1L antisense RNA 1; minus strand). Cytogenetic location: 18q11.1.
Variant type: single nucleotide variant.
Coding change: c.962T>A on transcript NM_001142966.3 (MANE Select); coding-DNA position 962, T replaced by A.
Protein change: p.Ile321Asn; replaces isoleucine 321 with asparagine.
Molecular consequence: missense variant.
Genome position (GRCh38, 1-based): chr18:21,440,281, T>A. VCF-style: chr18-21440281-T-A. GRCh37 (hg19) VCF-style: chr18-19020242-T-A.
Other names: c.1091T>A, p.Ile364Asn (NM_001410867.1); c.962T>A, p.Ile321Asn (NM_001410868.1); short protein forms I364N, I321N.
Identifiers: ClinVar variation 2887163 (VCV002887163.3), dbSNP rs1407912822, ClinGen allele CA401798904.